The following is an entry in ClinVar:

ClinVar aggregate classification (germline): Benign. Review status: criteria provided, multiple submitters, no conflicts (2 of 4 stars). 14 submissions from 13 submitters: Benign (12). 2 of the submissions do not count toward it. Last evaluated 2026-02-04.

Conditions:
Nemaline myopathy 2 (NEM2). Also called: Nemaline myopathy 2, autosomal recessive. Identifiers: MedGen C1850569, MONDO:0009725, OMIM 256030.
Arthrogryposis multiplex congenita 6. Identifiers: MedGen C5543431, MONDO:0030281, OMIM 619334.

Allele frequency attached by ClinVar (database versions not stated): gnomAD exomes 0.19380 and 0.24306; ExAC 0.25401; ESP Exome Variant Server 0.30102; gnomAD 0.31314 and 0.31441; TOPMed 0.33073; 1000 Genomes Project 30x 0.44410; 1000 Genomes Project 0.44529.
gnomAD v4.1: 333,664 of 1,613,564 alleles (21%); highest among the groups gnomAD compares: African/African-American, 64%; 49,168 homozygotes.

Submissions (14):

Labcorp Genetics (formerly Invitae), Labcorp
Classification: Benign for Nemaline myopathy 2. Last evaluated: 2026-02-04. Review status: criteria provided, single submitter. Criteria: Invitae Variant Classification Sherloc (09022015). Collection method: clinical testing. Allele origin: germline.

Blueprint Genetics
Classification: Benign. Last evaluated: 2024-11-26. Review status: criteria provided, single submitter. Criteria: ACMG Guidelines, 2015. Collection method: clinical testing. Allele origin: germline.

Genome-Nilou Lab
Classification: Benign for Arthrogryposis multiplex congenita 6. Last evaluated: 2021-07-10. Review status: criteria provided, single submitter. Criteria: ACMG Guidelines, 2015. Collection method: clinical testing. Allele origin: germline. Affected: no.

Genome-Nilou Lab
Classification: Benign for Nemaline myopathy 2. Last evaluated: 2021-07-10. Review status: criteria provided, single submitter. Criteria: ACMG Guidelines, 2015. Collection method: clinical testing. Allele origin: germline. Affected: no.

Athena Diagnostics
Classification: Benign. Last evaluated: 2019-03-04. Review status: criteria provided, single submitter. Criteria: Athena Diagnostics Criteria. Collection method: clinical testing. Allele origin: germline.

Illumina Laboratory Services, Illumina
Classification: Benign for Nemaline myopathy 2. Last evaluated: 2018-01-13. Review status: criteria provided, single submitter. Criteria: ICSL Variant Classification Criteria 13 December 2019. Collection method: clinical testing. Allele origin: germline.
Comment: This variant was observed in the ICSL laboratory as part of a predisposition screen in an ostensibly healthy population. It had not been previously curated by ICSL or reported in the Human Gene Mutation Database (HGMD: prior to June 1st, 2018), and was therefore a candidate for classification through an automated scoring system. Utilizing variant allele frequency, disease prevalence and penetrance estimates, and inheritance mode, an automated score was calculated to assess if this variant is too frequent to cause the disease. Based on the score and internal cut-off values, a variant classified as benign is not then subjected to further curation. The score for this variant resulted in a classification of benign for this disease.

Mayo Clinic Laboratories, Mayo Clinic
Classification: Benign. Last evaluated: 2017-07-20. Review status: criteria provided, single submitter. Criteria: ACMG Guidelines, 2015. Collection method: clinical testing. Allele origin: germline. Observed: 230 variant alleles.

Women's Health and Genetics/Laboratory Corporation of America, LabCorp
Classification: Benign. Last evaluated: 2017-02-27. Review status: criteria provided, single submitter. Criteria: LabCorp Variant Classification Summary - May 2015. Collection method: clinical testing. Allele origin: germline.
Comment: Variant summary: The NEB c.8734T>C (p.Ser2912Pro) variant involves the alteration of a conserved nucleotide. 3/4 in silico tools predict a benign outcome for this variant (SNPs&GO not working at the time of classification). This variant was found in 30671/120746 control chromosomes (5615 homozygotes) at a frequency of 0.2540126, which is approximately 72 times the estimated maximal expected allele frequency of a pathogenic NEB variant (0.0035355), evidence this variant is a benign polymorphism. In addition, multiple clinical diagnostic laboratories/reputable databases classified this variant as benign. The variant of interest has not, to our knowledge, been reported in affected individuals via publications and/or reputable databases/clinical diagnostic laboratories; nor evaluated for functional impact by in vivo/vitro studies. Taken together, this variant is classified as benign.

GeneDx
Classification: Benign. Last evaluated: 2016-01-05. Review status: criteria provided, single submitter. Criteria: GeneDx Variant Classification (06012015). Collection method: clinical testing. Allele origin: germline. Affected: yes.
Comment: This variant is considered likely benign or benign based on one or more of the following criteria: it is a conservative change, it occurs at a poorly conserved position in the protein, it is predicted to be benign by multiple in silico algorithms, and/or has population frequency not consistent with disease.

Laboratory for Molecular Medicine, Mass General Brigham Personalized Medicine
Classification: Benign. Last evaluated: 2014-11-26. Review status: criteria provided, single submitter. Criteria: LMM Criteria. Collection method: clinical testing. Allele origin: germline. Observed: 5 variant alleles.
Comment: p.Ser2912Pro in exon 62 of NEB: This variant is not expected to have clinical si gnificance because it has been identified in 60% (2256/3774) of African American chromosomes by the NHLBI Exome Sequencing Project (/EVS/; dbSNP rs6713162).

Breakthrough Genomics
Classification: Benign. Review status: criteria provided, single submitter. Criteria: ACMG Guidelines, 2015. Collection method: not provided. Allele origin: germline. Inheritance: Autosomal recessive inheritance. Affected: yes.

PreventionGenetics, part of Exact Sciences
Classification: Benign. Review status: criteria provided, single submitter. Criteria: ACMG Guidelines, 2015. Collection method: clinical testing. Allele origin: germline.

Natera, Inc.
Classification: Benign for Nemaline myopathy type 2. Last evaluated: 2020-09-16. Review status: no assertion criteria provided. Collection method: clinical testing. Allele origin: germline. Not counted in ClinVar's aggregate classification.

Genetic Services Laboratory, University of Chicago
Classification: Likely benign for AllHighlyPenetrant. Review status: no assertion criteria provided. Collection method: clinical testing. Allele origin: germline. Inheritance: Autosomal recessive inheritance. Not counted in ClinVar's aggregate classification.
Comment: Likely benign based on allele frequency in 1000 Genomes Project or ESP global frequency and its presence in a patient with a rare or unrelated disease phenotype. NOT Sanger confirmed.

NM_001164508.2(NEB):c.8734T>C (p.Ser2912Pro)

Gene: NEB (nebulin; minus strand). Cytogenetic location: 2q23.3.
Variant type: single nucleotide variant.
Coding change: c.8734T>C on transcript NM_001164508.2 (MANE Select); coding-DNA position 8734, T replaced by C.
Protein change: p.Ser2912Pro; replaces serine 2912 with proline.
Molecular consequence: missense variant.
Genome position (GRCh38, 1-based): chr2:151,640,012, A>G on the plus strand (T>C on the coding strand, the complement: NEB is on the minus strand). VCF-style: chr2-151640012-A-G. GRCh37 (hg19) VCF-style: chr2-152496526-A-G.
Other names: c.8734T>C, p.Ser2912Pro (NM_001164507.2, NM_001271208.2, NM_004543.5); short protein forms S2912P.
Identifiers: ClinVar variation 129761 (VCV000129761.31), dbSNP rs6713162, ClinGen allele CA154047.